The following is an entry in ClinVar:

NM_000268.4(NF2):c.1122+13G>T

Gene: NF2 (NF2, moesin-ezrin-radixin like (MERLIN) tumor suppressor; plus strand). Cytogenetic location: 22q12.2.
Variant type: single nucleotide variant.
Coding change: c.1122+13G>T on transcript NM_000268.4 (MANE Select); 13 bases into the intron after coding-DNA position 1122, G replaced by T.
Molecular consequence: intron variant.
Genome position (GRCh38, 1-based): chr22:29,671,961, G>T. VCF-style: chr22-29671961-G-T. GRCh37 (hg19) VCF-style: chr22-30067950-G-T.
Other names: c.1122+13G>T (NM_016418.5, NM_181832.3, NM_181825.3); c.448-22791G>T (NM_181833.3); c.999+13G>T (NM_181829.3); c.996+13G>T (NM_181828.3); c.873+13G>T (NM_181830.3, NM_181831.3).
Identifiers: ClinVar variation 2014273 (VCV002014273.4), dbSNP rs2147074535, ClinGen allele CA2580099558.

ClinVar aggregate classification (germline): Uncertain significance (1 of 4 stars; one submission).

Conditions:
Neurofibromatosis, type 2 (SWNV). Also called: NF2-Related Schwannomatosis; BILATERAL ACOUSTIC NEUROFIBROMATOSIS; SCHWANNOMATOSIS, VESTIBULAR. Identifiers: Orphanet 637, MedGen C0027832, MONDO:0007039, OMIM 101000. Disease mechanism: loss of function.

Submission:

Labcorp Genetics (formerly Invitae), Labcorp
Classification: Uncertain significance for Neurofibromatosis, type 2. Last evaluated: 2022-07-05. Review status: criteria provided, single submitter. Criteria: Invitae Variant Classification Sherloc (09022015). Collection method: clinical testing. Allele origin: germline.
Comment: This sequence change falls in intron 11 of the NF2 gene. It does not directly change the encoded amino acid sequence of the NF2 protein. This variant is not present in population databases (gnomAD no frequency). This variant has not been reported in the literature in individuals affected with NF2-related conditions. Algorithms developed to predict the effect of sequence changes on RNA splicing suggest that this variant may create or strengthen a splice site. In summary, the available evidence is currently insufficient to determine the role of this variant in disease. Therefore, it has been classified as a Variant of Uncertain Significance.